The following is an entry in ClinVar:

NM_001267550.2(TTN):c.90249del (p.Ser30083fs)

Genes: TTN (titin; minus strand), TTN-AS1 (TTN antisense RNA 1; plus strand). Cytogenetic location: 2q31.2.
Variant type: Deletion.
Coding change: c.90249del on transcript NM_001267550.2 (MANE Select); coding-DNA position 90249, one base deleted (T; older notation c.90249delT).
Protein change: p.Ser30083fs; shifts the reading frame from serine 30083.
Molecular consequence: frameshift variant.
Genome position (GRCh38, 1-based): chr2:178,552,651, A deleted on the plus strand (T on the coding strand, the reverse complement: TTN is on the minus strand). VCF-style (leftmost placement, unchanged base first): chr2-178552650-TA-T. GRCh37 (hg19) VCF-style: chr2-179417377-TA-T.
Other names: c.85326del, p.Ser28442fs (NM_001256850.1); c.63054del, p.Ser21018fs (NM_003319.4); c.82545del, p.Ser27515fs (NM_133378.4); c.63429del, p.Ser21143fs (NM_133432.3); c.63630del, p.Ser21210fs (NM_133437.4); short protein forms S21018fs, S21143fs, S21210fs, S27515fs, S28442fs, S30083fs.
Identifiers: ClinVar variation 1068063 (VCV001068063.9), dbSNP rs2154151435, ClinGen allele CA2499215320.
Genomic context (GRCh38, chr2:178,552,650, plus strand): 5'-ACACTCTGAACTCCAGGACTGACTGCTCCTTAAGTTGGCTAACCTCAATTTCACATGTCT[TA>T]CTTATGCCAGCGTGGGACCACGTCTGTTCACCTTTACCTTTCCTTTCTACAACATATTCT-3'

ClinVar aggregate classification (germline): Likely pathogenic (1 of 4 stars; one submission).

Conditions:
Dilated cardiomyopathy 1G (CMD1G). Identifiers: Orphanet 154, MedGen C1858763, MONDO:0011400, OMIM 604145.
Autosomal recessive limb-girdle muscular dystrophy type 2J (LGMDR10). Also called: Limb-girdle muscular dystrophy, type 2J; MUSCULAR DYSTROPHY, LIMB-GIRDLE, AUTOSOMAL RECESSIVE 10. Identifiers: Orphanet 140922, MedGen C1837342, MONDO:0012127, OMIM 608807.

Submission:

Labcorp Genetics (formerly Invitae), Labcorp
Classification: Likely pathogenic for Dilated cardiomyopathy 1G; Autosomal recessive limb-girdle muscular dystrophy type 2J. Last evaluated: 2022-07-25. Review status: criteria provided, single submitter. Criteria: Invitae Variant Classification Sherloc (09022015). Collection method: clinical testing. Allele origin: germline.
Comment: In summary, the currently available evidence indicates that the variant is pathogenic, but additional data are needed to prove that conclusively. Therefore, this variant has been classified as Likely Pathogenic. This variant is located in the A band of TTN (PMID: 25589632). Truncating variants in this region are significantly overrepresented in patients affected with dilated cardiomyopathy (PMID: 25589632). Truncating variants in this region have also been reported in individuals affected with autosomal recessive centronuclear myopathy (PMID: 23975875). ClinVar contains an entry for this variant (Variation ID: 1068063). This variant has not been reported in the literature in individuals affected with TTN-related conditions. This variant is not present in population databases (gnomAD no frequency). This sequence change creates a premature translational stop signal (p.Ser30083Argfs*29) in the TTN gene. While this is not anticipated to result in nonsense mediated decay, it is expected to create a truncated TTN protein.

Literature cited by the submitters: PubMed 25589632; PubMed 23975875.